The following is an entry in ClinVar:

ClinVar aggregate classification (germline): Conflicting classifications of pathogenicity. Review status: criteria provided, conflicting classifications (1 of 4 stars). 2 submissions from 2 submitters: Uncertain significance (1); Likely benign (1). Last evaluated 2024-12-18.

Conditions:
Immunodeficiency 51 (IMD51). Also called: CANDIDIASIS, FAMILIAL, 5. Identifiers: Orphanet 1334, MedGen C4310803, MONDO:0013500, OMIM 613953.

Allele frequency attached by ClinVar (database versions not stated): gnomAD exomes 0.00007; 1000 Genomes Project 30x 0.00016; 1000 Genomes Project 0.00020; TOPMed 0.00023; gnomAD 0.00024 and 0.00026; ESP Exome Variant Server 0.00047.
gnomAD v4.1: 71 of 1,575,586 alleles (0.0045%); highest among the groups gnomAD compares: African/African-American, 0.094%; no homozygotes.

Submissions (2):

Labcorp Genetics (formerly Invitae), Labcorp
Classification: Uncertain significance for Immunodeficiency 51. Last evaluated: 2024-12-18. Review status: criteria provided, single submitter. Criteria: Invitae Variant Classification Sherloc (09022015). Collection method: clinical testing. Allele origin: germline.
Comment: This sequence change replaces alanine, which is neutral and non-polar, with glutamic acid, which is acidic and polar, at codon 621 of the IL17RA protein (p.Ala621Glu). This variant is present in population databases (rs200201810, gnomAD 0.1%). This variant has not been reported in the literature in individuals affected with IL17RA-related conditions. ClinVar contains an entry for this variant (Variation ID: 1511400). Invitae Evidence Modeling of protein sequence and biophysical properties (such as structural, functional, and spatial information, amino acid conservation, physicochemical variation, residue mobility, and thermodynamic stability) indicates that this missense variant is not expected to disrupt IL17RA protein function with a negative predictive value of 80%. In summary, the available evidence is currently insufficient to determine the role of this variant in disease. Therefore, it has been classified as a Variant of Uncertain Significance.

Blueprint Genetics
Classification: Likely benign. Last evaluated: 2021-06-26. Review status: criteria provided, single submitter. Criteria: ACMG Guidelines, 2015. Collection method: clinical testing. Allele origin: germline.

NM_014339.7(IL17RA):c.1862C>A (p.Ala621Glu)

Gene: IL17RA (interleukin 17 receptor A; plus strand). Cytogenetic location: 22q11.1.
Variant type: single nucleotide variant.
Coding change: c.1862C>A on transcript NM_014339.7 (MANE Select); coding-DNA position 1862, C replaced by A.
Protein change: p.Ala621Glu; replaces alanine 621 with glutamic acid.
Molecular consequence: missense variant.
Genome position (GRCh38, 1-based): chr22:17,109,081, C>A. VCF-style: chr22-17109081-C-A. GRCh37 (hg19) VCF-style: chr22-17589971-C-A.
Other names: c.1760C>A, p.Ala587Glu (NM_001289905.2); short protein forms A587E, A621E.
Identifiers: ClinVar variation 1511400 (VCV001511400.7), dbSNP rs200201810, ClinGen allele CA10086873.